The following is an entry in ClinVar:

ClinVar aggregate classification (germline): Uncertain significance (1 of 4 stars; one submission).

Conditions:
Accelerated tumor formation, susceptibility to (ACTFS). Identifiers: MedGen C3280690, OMIM 614401, MONDO:0013733.

Submission:

Labcorp Genetics (formerly Invitae), Labcorp
Classification: Uncertain significance for Accelerated tumor formation, susceptibility to. Last evaluated: 2019-09-30. Review status: criteria provided, single submitter. Criteria: Invitae Variant Classification Sherloc (09022015). Collection method: clinical testing. Allele origin: germline.
Comment: In summary, the available evidence is currently insufficient to determine the role of this variant in disease. Therefore, it has been classified as a Variant of Uncertain Significance. Algorithms developed to predict the effect of missense changes on protein structure and function are either unavailable or do not agree on the potential impact of this missense change (SIFT: "Deleterious"; PolyPhen-2: "Probably Damaging"; Align-GVGD: "Class C0"). This variant has not been reported in the literature in individuals with MDM2-related conditions. This variant is not present in population databases (ExAC no frequency). This sequence change replaces serine with cysteine at codon 401 of the MDM2 protein (p.Ser401Cys). The serine residue is highly conserved and there is a moderate physicochemical difference between serine and cysteine.

NM_002392.6(MDM2):c.1202C>G (p.Ser401Cys)

Gene: MDM2 (MDM2 proto-oncogene; plus strand). Cytogenetic location: 12q15.
Variant type: single nucleotide variant.
Coding change: c.1202C>G on transcript NM_002392.6 (MANE Select); coding-DNA position 1202, C replaced by G.
Protein change: p.Ser401Cys; replaces serine 401 with cysteine.
Molecular consequence: missense variant.
Genome position (GRCh38, 1-based): chr12:68,839,557, C>G. VCF-style: chr12-68839557-C-G. GRCh37 (hg19) VCF-style: chr12-69233337-C-G.
Other names: c.1043C>G, p.Ser348Cys (NM_001145337.3); c.1037C>G, p.Ser346Cys (NM_001145339.2); c.596C>G, p.Ser199Cys (NM_001145340.3); c.674C>G, p.Ser225Cys (NM_001278462.2); c.1184C>G, p.Ser395Cys (NM_001367990.1); short protein forms S395C, S346C, S348C, S401C, S225C, S199C.
Identifiers: ClinVar variation 967899 (VCV000967899.9), dbSNP rs1293117772, ClinGen allele CA385705024.